The following is an entry in ClinVar:

ClinVar aggregate classification (germline): Uncertain significance. Review status: criteria provided, multiple submitters, no conflicts (2 of 4 stars). 2 submissions from 2 submitters: Uncertain significance (2). Last evaluated 2024-05-06.

Conditions:
Regional enteritis. Also called: Enteritis, Granulomatous. Identifiers: MedGen C0678202, MeSH D003424.
Blau syndrome (BLAUS). Also called: ARTHROCUTANEOUVEAL GRANULOMATOSIS; GRANULOMATOSIS, FAMILIAL JUVENILE SYSTEMIC; GRANULOMATOSIS, FAMILIAL, BLAU TYPE; GRANULOMATOUS INFLAMMATORY ARTHRITIS, DERMATITIS, AND UVEITIS, FAMILIAL; JABS SYNDROME. Identifiers: Orphanet 90340, MedGen C5201146, MONDO:0008523, OMIM 186580.

Allele frequency attached by ClinVar (database versions not stated): ExAC 0.00001; gnomAD exomes 0.00001; TOPMed 0.00002; ESP Exome Variant Server 0.00008.
gnomAD v4.1: 27 of 1,612,806 alleles (0.0017%); highest among the groups gnomAD compares: Non-Finnish European, 0.0022%; no homozygotes.

Submissions (2):

Labcorp Genetics (formerly Invitae), Labcorp
Classification: Uncertain significance for Regional enteritis; Blau syndrome. Last evaluated: 2024-05-06. Review status: criteria provided, single submitter. Criteria: Invitae Variant Classification Sherloc (09022015). Collection method: clinical testing. Allele origin: germline.
Comment: This sequence change replaces glycine, which is neutral and non-polar, with arginine, which is basic and polar, at codon 680 of the NOD2 protein (p.Gly680Arg). This variant is present in population databases (rs371339573, gnomAD 0.002%). This variant has not been reported in the literature in individuals affected with NOD2-related conditions. ClinVar contains an entry for this variant (Variation ID: 462698). Advanced modeling of protein sequence and biophysical properties (such as structural, functional, and spatial information, amino acid conservation, physicochemical variation, residue mobility, and thermodynamic stability) performed at Invitae indicates that this missense variant is expected to disrupt NOD2 protein function with a positive predictive value of 80%. Experimental studies have shown that this missense change affects NOD2 function (PMID: 15044951). In summary, the available evidence is currently insufficient to determine the role of this variant in disease. Therefore, it has been classified as a Variant of Uncertain Significance.

Mayo Clinic Laboratories, Mayo Clinic
Classification: Uncertain significance. Last evaluated: 2021-12-28. Review status: criteria provided, single submitter. Criteria: ACMG Guidelines, 2015. Collection method: clinical testing. Allele origin: germline.

Literature cited by the submitters: PubMed 15044951 (cited by Labcorp Genetics (formerly Invitae), Labcorp).

NM_001370466.1(NOD2):c.1957G>A (p.Gly653Arg)

Gene: NOD2 (nucleotide binding oligomerization domain containing 2; plus strand). Cytogenetic location: 16q12.1.
Variant type: single nucleotide variant.
Coding change: c.1957G>A on transcript NM_001370466.1 (MANE Select); coding-DNA position 1957, G replaced by A.
Protein change: p.Gly653Arg; replaces glycine 653 with arginine.
Molecular consequence: missense variant. On other transcripts: non-coding transcript variant (1).
Genome position (GRCh38, 1-based): chr16:50,711,949, G>A. VCF-style: chr16-50711949-G-A. GRCh37 (hg19) VCF-style: chr16-50745860-G-A.
Other names: p.Gly680Arg; c.1957G>A, p.Gly653Arg (NM_001293557.2); c.2038G>A, p.Gly680Arg (NM_022162.3); short protein forms G680R, G653R.
Identifiers: ClinVar variation 462698 (VCV000462698.14), dbSNP rs371339573, ClinGen allele CA8051678.
Genomic context (GRCh38, chr16:50,711,949, plus strand): 5'-GCAGCTTTGCTGCAGAAGGCCGAGCCGCACAACCTTCAGATCACAGCAGCCTTCCTGGCA[G>A]GGCTGTTGTCCCGGGAGCACTGGGGCCTGCTGGCTGAGTGCCAGACATCTGAGAAGGCCC-3'
Protein context (NP_001357395.1, residues 643-663): NLQITAAFLA[Gly653Arg]LLSREHWGLL